The following is an entry in ClinVar:

ClinVar aggregate classification (germline): Uncertain significance (1 of 4 stars; one submission).

Conditions:
Cardiovascular phenotype. Identifiers: MedGen CN230736.

Submission:

Ambry Genetics
Classification: Uncertain significance for Cardiovascular phenotype. Last evaluated: 2026-04-02. Review status: criteria provided, single submitter. Criteria: Ambry Variant Classification Scheme 2023. Collection method: clinical testing. Allele origin: germline.
Comment: The p.E1051K variant (also known as c.3151G>A), located in coding exon 22 of the MYH6 gene, results from a G to A substitution at nucleotide position 3151. The glutamic acid at codon 1051 is replaced by lysine, an amino acid with similar properties. This amino acid position is conserved. In addition, this alteration is predicted to be deleterious by in silico analysis. Based on the available evidence, the clinical significance of this variant remains unclear.

NM_002471.4(MYH6):c.3151G>A (p.Glu1051Lys)

Gene: MYH6 (myosin heavy chain 6; minus strand). Cytogenetic location: 14q11.2.
Variant type: single nucleotide variant.
Coding change: c.3151G>A on transcript NM_002471.4 (MANE Select); coding-DNA position 3151, G replaced by A.
Protein change: p.Glu1051Lys; replaces glutamic acid 1051 with lysine.
Molecular consequence: missense variant.
Genome position (GRCh38, 1-based): chr14:23,393,012, C>T on the plus strand (G>A on the coding strand, the complement: MYH6 is on the minus strand). VCF-style: chr14-23393012-C-T. GRCh37 (hg19) VCF-style: chr14-23862221-C-T.
Other names: short protein forms E1051K.
Identifiers: ClinVar variation 4860560 (VCV004860560.1).
Genomic context (GRCh38, chr14:23,393,012, plus strand): 5'-GGTCCATGATGCTCTCCTGGGTCAGCTTCAGGTCGCCCTCCAGTTTCCGCTTTGCTCGCT[C>T]CAGGTCCATGCGCACCTTCTTCTCTTGCTCTAGGGATCCCTCCAGCTGTTGGAGGGAAGA-3'
Protein context (NP_002462.2, residues 1041-1061): EQEKKVRMDL[Glu1051Lys]RAKRKLEGDL